The following is an entry in ClinVar:

ClinVar aggregate classification (germline): Likely pathogenic (1 of 4 stars; one submission).

Conditions:
Medium-chain acyl-coenzyme A dehydrogenase deficiency (ACADMD). Also called: Medium chain acyl-CoA dehydrogenase deficiency; MCADH DEFICIENCY; MCAD Deficiency; ACADM DEFICIENCY; CARNITINE DEFICIENCY SECONDARY TO MEDIUM-CHAIN ACYL-CoA DEHYDROGENASE DEFICIENCY; MCADD. Identifiers: Orphanet 42, MedGen C0220710, MONDO:0008721, OMIM 201450.

Allele frequency attached by ClinVar (database versions not stated): gnomAD exomes below 0.00001; TOPMed below 0.00001; ExAC 0.00001; gnomAD 0.00001; 1000 Genomes Project 30x 0.00016; 1000 Genomes Project 0.00020.
gnomAD v4.1: 6 of 1,614,096 alleles (0.00037%); highest among the groups gnomAD compares: African/African-American, 0.0067%; no homozygotes.

Submission:

Labcorp Genetics (formerly Invitae), Labcorp
Classification: Likely pathogenic for Medium-chain acyl-coenzyme A dehydrogenase deficiency. Last evaluated: 2022-07-18. Review status: criteria provided, single submitter. Criteria: Invitae Variant Classification Sherloc (09022015). Collection method: clinical testing. Allele origin: germline.
Comment: This sequence change replaces methionine, which is neutral and non-polar, with threonine, which is neutral and polar, at codon 328 of the ACADM protein (p.Met328Thr). This variant is present in population databases (rs200902176, gnomAD 0.007%). This variant has not been reported in the literature in individuals affected with ACADM-related conditions. Advanced modeling of protein sequence and biophysical properties (such as structural, functional, and spatial information, amino acid conservation, physicochemical variation, residue mobility, and thermodynamic stability) performed at Invitae indicates that this missense variant is expected to disrupt ACADM protein function. This variant disrupts the p.Met328 amino acid residue in ACADM. Other variant(s) that disrupt this residue have been determined to be pathogenic (PMID: 23028790, 24966162; Invitae). This suggests that this residue is clinically significant, and that variants that disrupt this residue are likely to be disease-causing. In summary, the currently available evidence indicates that the variant is pathogenic, but additional data are needed to prove that conclusively. Therefore, this variant has been classified as Likely Pathogenic.

Literature cited by the submitters: PubMed 23028790; PubMed 24966162.

NM_000016.6(ACADM):c.983T>C (p.Met328Thr)

Gene: ACADM (acyl-CoA dehydrogenase medium chain; plus strand). Cytogenetic location: 1p31.1.
Variant type: single nucleotide variant.
Coding change: c.983T>C on transcript NM_000016.6 (MANE Select); coding-DNA position 983, T replaced by C.
Protein change: p.Met328Thr; replaces methionine 328 with threonine.
Molecular consequence: missense variant.
Genome position (GRCh38, 1-based): chr1:75,761,159, T>C. VCF-style: chr1-75761159-T-C. GRCh37 (hg19) VCF-style: chr1-76226844-T-C.
Other names: c.995T>C, p.Met332Thr (NM_001127328.3); c.875T>C, p.Met292Thr (NM_001286042.2); c.1082T>C, p.Met361Thr (NM_001286043.2); c.416T>C, p.Met139Thr (NM_001286044.2); short protein forms M292T, M328T, M332T, M139T, M361T.
Identifiers: ClinVar variation 2184507 (VCV002184507.1), dbSNP rs200902176, ClinGen allele CA913261.